The following is an entry in ClinVar:

NM_000535.7(PMS2):c.2530C>T (p.Pro844Ser)

Gene: PMS2 (PMS1 homolog 2, mismatch repair system component; minus strand). Cytogenetic location: 7p22.1.
Variant type: single nucleotide variant.
Coding change: c.2530C>T on transcript NM_000535.7 (MANE Select); coding-DNA position 2530, C replaced by T.
Protein change: p.Pro844Ser; replaces proline 844 with serine.
Molecular consequence: missense variant. On other transcripts: non-coding transcript variant (1).
Genome position (GRCh38, 1-based): chr7:5,973,458, G>A on the plus strand (C>T on the coding strand, the complement: PMS2 is on the minus strand). VCF-style: chr7-5973458-G-A. GRCh37 (hg19) VCF-style: chr7-6013089-G-A.
Other names: c.2125C>T, p.Pro709Ser (NM_001322003.2, NM_001322004.2, NM_001322005.2); c.2374C>T, p.Pro792Ser (NM_001322006.2); c.2212C>T, p.Pro738Ser (NM_001322007.2, NM_001322008.2); c.2158C>T, p.Pro720Ser (NM_001322009.2); c.1969C>T, p.Pro657Ser (NM_001322010.2); c.1597C>T, p.Pro533Ser (NM_001322011.2, NM_001322012.2); c.1957C>T, p.Pro653Ser (NM_001322013.2); c.2563C>T, p.Pro855Ser (NM_001322014.2); and 1 more; short protein forms P720S, P738S, P855S, P792S, P533S, P709S, P653S, P657S.
Identifiers: ClinVar variation 1471034 (VCV001471034.6), dbSNP rs1781490910, ClinGen allele CA366734855.

ClinVar aggregate classification (germline): Uncertain significance (1 of 4 stars; one submission).

Conditions:
Hereditary nonpolyposis colorectal neoplasms. Identifiers: MedGen C0009405, MeSH D003123.

Submission:

Labcorp Genetics (formerly Invitae), Labcorp
Classification: Uncertain significance for Hereditary nonpolyposis colorectal neoplasms. Last evaluated: 2025-08-28. Review status: criteria provided, single submitter. Criteria: Invitae Variant Classification Sherloc (09022015). Collection method: clinical testing. Allele origin: germline.
Comment: This sequence change replaces proline, which is neutral and non-polar, with serine, which is neutral and polar, at codon 844 of the PMS2 protein (p.Pro844Ser). The frequency data for this variant in the population databases (gnomAD) is considered unreliable due to the presence of homologous sequence, such as pseudogenes or paralogs, in the genome. This variant has not been reported in the literature in individuals affected with PMS2-related conditions. ClinVar contains an entry for this variant (Variation ID: 1471034). Invitae Evidence Modeling incorporating data from in vitro experimental studies (internal data) indicates that this missense variant is not expected to disrupt PMS2 function with a negative predictive value of 95%. In summary, the available evidence is currently insufficient to determine the role of this variant in disease. Therefore, it has been classified as a Variant of Uncertain Significance.